The following is an entry in ClinVar:

NM_020297.4(ABCC9):c.1875G>A (p.Ser625=)

Gene: ABCC9 (ATP binding cassette subfamily C member 9; minus strand). Cytogenetic location: 12p12.1.
Variant type: single nucleotide variant.
Coding change: c.1875G>A on transcript NM_020297.4 (MANE Select); coding-DNA position 1875, G replaced by A.
Protein change: p.Ser625=; no amino-acid change (serine 625 retained).
Molecular consequence: synonymous variant.
Genome position (GRCh38, 1-based): chr12:21,887,862, C>T on the plus strand (G>A on the coding strand, the complement: ABCC9 is on the minus strand). VCF-style: chr12-21887862-C-T. GRCh37 (hg19) VCF-style: chr12-22040796-C-T.
Other names: c.1875G>A, p.Ser625= (NM_001377273.1, NM_005691.4); c.1011G>A, p.Ser337= (NM_001377274.1).
Identifiers: ClinVar variation 162690 (VCV000162690.21), dbSNP rs727502873, ClinGen allele CA175154.

ClinVar aggregate classification (germline): Conflicting classifications of pathogenicity. Review status: criteria provided, conflicting classifications (1 of 4 stars). 7 submissions from 6 submitters: Uncertain significance (2); Likely benign (5). Last evaluated 2024-09-30.

Conditions:
Cardiovascular phenotype. Identifiers: MedGen CN230736.
Hypertrichotic osteochondrodysplasia Cantu type. Also called: Cantu Syndrome; Cantú Syndrome. Identifiers: Orphanet 1517, MedGen C0795905, MONDO:0009406, OMIM 239850.
Dilated cardiomyopathy 1O (CMD1O). Also called: CARDIOMYOPATHY, DILATED, WITH VENTRICULAR TACHYCARDIA. Identifiers: Orphanet 154, MedGen C1837839, MONDO:0012062, OMIM 608569.

Allele frequency attached by ClinVar (database versions not stated): ExAC 0.00001; gnomAD 0.00001; gnomAD exomes 0.00001; TOPMed 0.00002.
gnomAD v4.1: 62 of 1,613,258 alleles (0.0038%); highest among the groups gnomAD compares: Middle Eastern, 0.016%; no homozygotes.

Submissions (7):

Labcorp Genetics (formerly Invitae), Labcorp
Classification: Likely benign for Dilated cardiomyopathy 1O. Last evaluated: 2024-09-30. Review status: criteria provided, single submitter. Criteria: Invitae Variant Classification Sherloc (09022015). Collection method: clinical testing. Allele origin: germline.

ARUP Laboratories, Molecular Genetics and Genomics, ARUP Laboratories
Classification: Likely benign. Last evaluated: 2024-07-11. Review status: criteria provided, single submitter. Criteria: ARUP Molecular Germline Variant Investigation Process 2024. Collection method: clinical testing. Allele origin: germline.

Blueprint Genetics
Classification: Likely benign. Last evaluated: 2023-07-04. Review status: criteria provided, single submitter. Criteria: ACMG Guidelines, 2015. Collection method: clinical testing. Allele origin: germline.

Ambry Genetics
Classification: Likely benign for Cardiovascular phenotype. Last evaluated: 2022-02-14. Review status: criteria provided, single submitter. Criteria: Ambry Variant Classification Scheme 2023. Collection method: clinical testing. Allele origin: germline.

Illumina Laboratory Services, Illumina
Classification: Uncertain significance for Hypertrichotic osteochondrodysplasia Cantu type. Last evaluated: 2018-01-13. Review status: criteria provided, single submitter. Criteria: ICSL Variant Classification Criteria 13 December 2019. Collection method: clinical testing. Allele origin: germline.

Illumina Laboratory Services, Illumina
Classification: Uncertain significance for Dilated cardiomyopathy 1O. Last evaluated: 2018-01-13. Review status: criteria provided, single submitter. Criteria: ICSL Variant Classification Criteria 13 December 2019. Collection method: clinical testing. Allele origin: germline.

Laboratory for Molecular Medicine, Mass General Brigham Personalized Medicine
Classification: Likely benign. Last evaluated: 2013-08-29. Review status: criteria provided, single submitter. Criteria: LMM Criteria. Collection method: clinical testing. Allele origin: germline. Observed: 1 variant allele.
Comment: Ser625Ser in exon 13 of ABCC9: This variant is not expected to have clinical sig nificance because it does not alter an amino acid residue and is not located wit hin the splice consensus sequence. Ser625Ser in exon 13 of ABCC9 (allele freque ncy = n/a)